The following is an entry in ClinVar:

ClinVar aggregate classification (germline): Benign (0 of 4 stars; one submission).

Conditions:
SLC22A18-related disorder. Also called: SLC22A18-related condition.

Allele frequency attached by ClinVar (database versions not stated): 1000 Genomes Project 0.00339; 1000 Genomes Project 30x 0.00390; gnomAD 0.00468; ESP Exome Variant Server 0.00484; TOPMed 0.00535; gnomAD exomes 0.00043; ExAC 0.00258.

Submission:

PreventionGenetics, part of Exact Sciences
Classification: Benign for SLC22A18-related condition. Last evaluated: 2020-05-04. Review status: no assertion criteria provided. Collection method: clinical testing. Allele origin: germline.
Comment: This variant is classified as benign based on ACMG/AMP sequence variant interpretation guidelines (Richards et al. 2015 PMID: 25741868, with internal and published modifications).

NM_002555.6(SLC67A1):c.531del (p.Tyr178fs)

Gene: SLC67A1 (solute carrier family 67 member 1; plus strand). Cytogenetic location: 11p15.4.
Variant type: Deletion.
Coding change: c.531del on transcript NM_002555.6 (MANE Select); coding-DNA position 531, one base deleted (G; older notation c.531delG).
Protein change: p.Tyr178fs; shifts the reading frame from tyrosine 178.
Molecular consequence: frameshift variant. On other transcripts: intron variant (1).
Genome position (GRCh38, 1-based): chr11:2,909,705, G deleted. VCF-style (leftmost placement, unchanged base first): chr11-2909704-CG-C. GRCh37 (hg19) VCF-style: chr11-2930934-CG-C.
Other names: c.786del, p.Tyr263fs (NM_001315501.2); c.531del, p.Tyr178fs (NM_183233.3); c.242+1375del (NM_001315502.2); short protein forms Y178fs, Y263fs.
Identifiers: ClinVar variation 3050688 (VCV003050688.2), dbSNP rs558203402, ClinGen allele CA5822517.
Genomic context (GRCh38, chr11:2,909,704, plus strand): 5'-GCCTCTGCTTCGGCGTCGGAGTCATCCTCGGCTCCCTGCTGGGCGGGACCCTGGTCTCCG[CG>C]TACGGGTGAGTGGTGGGGGCCGGGGCGGAGTCTGTGGGTCAGGACGCCCGCGGCTGGGTC-3'